The following is an entry in ClinVar:

NM_003906.5(MCM3AP):c.3368C>T (p.Thr1123Ile)

Gene: MCM3AP (minichromosome maintenance complex component 3 associated protein; minus strand). Cytogenetic location: 21q22.3.
Variant type: single nucleotide variant.
Coding change: c.3368C>T on transcript NM_003906.5 (MANE Select); coding-DNA position 3368, C replaced by T.
Protein change: p.Thr1123Ile; replaces threonine 1123 with isoleucine.
Molecular consequence: missense variant.
Genome position (GRCh38, 1-based): chr21:46,261,379, G>A on the plus strand (C>T on the coding strand, the complement: MCM3AP is on the minus strand). VCF-style: chr21-46261379-G-A. GRCh37 (hg19) VCF-style: chr21-47681293-G-A.
Other names: c.3368C>T (NM_003906.3); short protein forms T1123I.
Identifiers: ClinVar variation 1380357 (VCV001380357.7), dbSNP rs2081039174, ClinGen allele CA410556189.

ClinVar aggregate classification (germline): Uncertain significance. Review status: criteria provided, multiple submitters, no conflicts (2 of 4 stars). 2 submissions from 2 submitters: Uncertain significance (2). Last evaluated 2021-11-22.

Conditions:
Inborn genetic diseases. Identifiers: MedGen C0950123, MeSH D030342.

Allele frequency attached by ClinVar (database versions not stated): gnomAD exomes below 0.00001; gnomAD 0.00001.
gnomAD v4.1: 2 of 1,613,998 alleles (0.00012%); highest among the groups gnomAD compares: Non-Finnish European, 0.00017%; no homozygotes.

Submissions (2):

Ambry Genetics
Classification: Uncertain significance for Inborn genetic diseases. Last evaluated: 2021-11-22. Review status: criteria provided, single submitter. Criteria: Ambry Variant Classification Scheme 2023. Collection method: clinical testing. Allele origin: germline.

Labcorp Genetics (formerly Invitae), Labcorp
Classification: Uncertain significance. Last evaluated: 2021-09-25. Review status: criteria provided, single submitter. Criteria: Invitae Variant Classification Sherloc (09022015). Collection method: clinical testing. Allele origin: germline.
Comment: This variant has not been reported in the literature in individuals affected with MCM3AP-related conditions. In summary, the available evidence is currently insufficient to determine the role of this variant in disease. Therefore, it has been classified as a Variant of Uncertain Significance. Algorithms developed to predict the effect of missense changes on protein structure and function are either unavailable or do not agree on the potential impact of this missense change (SIFT: "Deleterious"; PolyPhen-2: "Benign"; Align-GVGD: "Class C0"). This variant is not present in population databases (ExAC no frequency). This sequence change replaces threonine with isoleucine at codon 1123 of the MCM3AP protein (p.Thr1123Ile). The threonine residue is moderately conserved and there is a moderate physicochemical difference between threonine and isoleucine.